The following is an entry in ClinVar:

NM_022042.4(SLC26A1):c.1534C>T (p.Leu512=)

Genes: IDUA (alpha-L-iduronidase; plus strand), SLC26A1 (solute carrier family 26 member 1; minus strand). Cytogenetic location: 4p16.3.
Variant type: single nucleotide variant.
Coding change: c.1534C>T on transcript NM_022042.4 (MANE Select); coding-DNA position 1534, C replaced by T.
Protein change: p.Leu512=; no amino-acid change (leucine 512 retained).
Molecular consequence: synonymous variant. On other transcripts: intron variant (2).
Genome position (GRCh38, 1-based): chr4:989,405, G>A on the plus strand (C>T on the coding strand, the complement: SLC26A1 is on the minus strand). VCF-style: chr4-989405-G-A. GRCh37 (hg19) VCF-style: chr4-983193-G-A.
Other names: c.1534C>T, p.Leu512= (NM_213613.4); c.576+1723C>T (NM_134425.4); c.299+1456G>A (NM_000203.5).
Identifiers: ClinVar variation 1711584 (VCV001711584.35), dbSNP rs954135197, ClinGen allele CA91147481.

ClinVar aggregate classification (germline): Likely benign. Review status: criteria provided, multiple submitters, no conflicts (2 of 4 stars). 2 submissions from 2 submitters: Likely benign (2). Last evaluated 2022-08-01.

Allele frequency attached by ClinVar (database versions not stated): gnomAD exomes 0.00002; gnomAD 0.00003.
gnomAD v4.1: 27 of 1,562,304 alleles (0.0017%); highest among the groups gnomAD compares: Non-Finnish European, 0.0023%; no homozygotes.

Submissions (2):

CeGaT Center for Human Genetics Tuebingen
Classification: Likely benign. Last evaluated: 2022-08-01. Review status: criteria provided, single submitter. Criteria: CeGaT Center For Human Genetics Tuebingen Variant Classification Criteria Version 2. Collection method: clinical testing. Allele origin: germline. Affected: yes. Observed: 1 variant allele.
Comment: SLC26A1: BP4, BP7

Labcorp Genetics (formerly Invitae), Labcorp
Classification: Likely benign. Last evaluated: 2022-02-01. Review status: criteria provided, single submitter. Criteria: Invitae Variant Classification Sherloc (09022015). Collection method: clinical testing. Allele origin: germline.